The following is an entry in ClinVar:

NM_173728.4(ARHGEF15):c.970C>T (p.Pro324Ser)

Gene: ARHGEF15 (Rho guanine nucleotide exchange factor 15; plus strand). Cytogenetic location: 17p13.1.
Variant type: single nucleotide variant.
Coding change: c.970C>T on transcript NM_173728.4 (MANE Select); coding-DNA position 970, C replaced by T.
Protein change: p.Pro324Ser; replaces proline 324 with serine.
Molecular consequence: missense variant.
Genome position (GRCh38, 1-based): chr17:8,313,536, C>T. VCF-style: chr17-8313536-C-T. GRCh37 (hg19) VCF-style: chr17-8216854-C-T.
Other names: c.970C>T, p.Pro324Ser (NM_025014.2); short protein forms P324S.
Identifiers: ClinVar variation 3726216 (VCV003726216.2).

ClinVar aggregate classification (germline): Uncertain significance (1 of 4 stars; one submission).

Conditions:
Early-infantile DEE. Also called: Early infantile epileptic encephalopathy; Ohtahara syndrome; Early infantile epileptic encephalopathy with suppression bursts. Identifiers: Orphanet 1934, MedGen C0393706, MONDO:0800491.

Submission:

Labcorp Genetics (formerly Invitae), Labcorp
Classification: Uncertain significance for Early-infantile DEE. Last evaluated: 2025-02-19. Review status: criteria provided, single submitter. Criteria: Invitae Variant Classification Sherloc (09022015). Collection method: clinical testing. Allele origin: germline.
Comment: This sequence change replaces proline, which is neutral and non-polar, with serine, which is neutral and polar, at codon 324 of the ARHGEF15 protein (p.Pro324Ser). This variant is not present in population databases (gnomAD no frequency). This variant has not been reported in the literature in individuals affected with ARHGEF15-related conditions. An algorithm developed to predict the effect of missense changes on protein structure and function outputs the following: PolyPhen-2: "Benign". The serine amino acid residue is found in multiple mammalian species, which suggests that this missense change does not adversely affect protein function. In summary, the available evidence is currently insufficient to determine the role of this variant in disease. Therefore, it has been classified as a Variant of Uncertain Significance.